The following is an entry in ClinVar:

NM_000059.4(BRCA2):c.2905C>G (p.Gln969Glu)

Gene: BRCA2 (BRCA2 DNA repair associated; plus strand). Cytogenetic location: 13q13.1.
Variant type: single nucleotide variant.
Coding change: c.2905C>G on transcript NM_000059.4 (MANE Select); coding-DNA position 2905, C replaced by G.
Protein change: p.Gln969Glu; replaces glutamine 969 with glutamic acid.
Molecular consequence: missense variant. On other transcripts: non-coding transcript variant (1), intron variant (2).
Genome position (GRCh38, 1-based): chr13:32,337,260, C>G. VCF-style: chr13-32337260-C-G. GRCh37 (hg19) VCF-style: chr13-32911397-C-G.
Other names: c.2905C>G, p.Gln969Glu (NM_001406719.1, NM_001406720.1); c.1909+3873C>G (NM_001406721.1); c.424+6230C>G (NM_001406722.1); short protein forms Q969E.
Identifiers: ClinVar variation 2446357 (VCV002446357.2), dbSNP rs886038080, ClinGen allele CA387774177.
Genomic context (GRCh38, chr13:32,337,260, plus strand): 5'-TATGTTCTTGCAGAGGAGAACAAAAATAGTGTAAAGCAGCATATAAAAATGACTCTAGGT[C>G]AAGATTTAAAATCGGACATCTCCTTGAATATAGATAAAATACCAGAAAAAAATAATGATT-3'
Protein context (NP_000050.3, residues 959-979): VKQHIKMTLG[Gln969Glu]DLKSDISLNI

ClinVar aggregate classification (germline): Uncertain significance. Review status: criteria provided, multiple submitters, no conflicts (2 of 4 stars). 2 submissions from 2 submitters: Uncertain significance (2). Last evaluated 2026-01-14.

Conditions:
Hereditary breast ovarian cancer syndrome. Also called: Hereditary breast and ovarian cancer syndrome (HBOC); Hereditary breast and ovarian cancer syndrome; Hereditary breast and/or ovarian cancer syndrome; Breast and ovarian cancer; Hereditary breast and ovarian cancer; BRCA1- and BRCA2-Associated Hereditary Breast and Ovarian Cancer. Identifiers: Orphanet 145, MedGen C0677776, MeSH D061325, MONDO:0003582. Disease mechanism: loss of function.

gnomAD v4.1: 1 of 1,611,806 alleles (0.000062%); highest among the groups gnomAD compares: Middle Eastern, 0.017%; no homozygotes.

Submissions (2):

Labcorp Genetics (formerly Invitae), Labcorp
Classification: Uncertain significance for Hereditary breast ovarian cancer syndrome. Last evaluated: 2026-01-14. Review status: criteria provided, single submitter. Criteria: Invitae Variant Classification Sherloc (09022015). Collection method: clinical testing. Allele origin: germline.
Comment: This sequence change replaces glutamine, which is neutral and polar, with glutamic acid, which is acidic and polar, at codon 969 of the BRCA2 protein (p.Gln969Glu). This variant is not present in population databases (gnomAD no frequency). This variant has not been reported in the literature in individuals affected with BRCA2-related conditions. ClinVar contains an entry for this variant (Variation ID: 2446357). Invitae Evidence Modeling of protein sequence and biophysical properties (such as structural, functional, and spatial information, amino acid conservation, physicochemical variation, residue mobility, and thermodynamic stability) indicates that this missense variant is not expected to disrupt BRCA2 protein function with a negative predictive value of 95%. In summary, the available evidence is currently insufficient to determine the role of this variant in disease. Therefore, it has been classified as a Variant of Uncertain Significance.

GeneDx
Classification: Uncertain significance. Last evaluated: 2022-09-27. Review status: criteria provided, single submitter. Criteria: GeneDx Variant Classification Process June 2021. Collection method: clinical testing. Allele origin: germline. Affected: yes.
Comment: Not observed at significant frequency in large population cohorts (gnomAD); In silico analysis supports that this missense variant does not alter protein structure/function; Has not been previously published as pathogenic or benign to our knowledge; Also known as 3133C>G